The following is an entry in ClinVar:

NM_003070.5(SMARCA2):c.4479C>T (p.Ile1493=)

Gene: SMARCA2 (SWI/SNF related BAF chromatin remodeling complex subunit ATPase 2; plus strand). Cytogenetic location: 9p24.3.
Variant type: single nucleotide variant.
Coding change: c.4479C>T on transcript NM_003070.5 (MANE Select); coding-DNA position 4479, C replaced by T.
Protein change: p.Ile1493=; no amino-acid change (isoleucine 1493 retained).
Molecular consequence: synonymous variant.
Genome position (GRCh38, 1-based): chr9:2,186,113, C>T. VCF-style: chr9-2186113-C-T. GRCh37 (hg19) VCF-style: chr9-2186113-C-T.
Other names: c.4479C>T, p.Ile1493= (NM_001289396.2); c.4251C>T, p.Ile1417= (NM_001289397.2); c.453C>T, p.Ile151= (NM_001289398.2); c.537C>T, p.Ile179= (NM_001289399.2); c.543C>T, p.Ile181= (NM_001289400.2); c.4425C>T, p.Ile1475= (NM_139045.4).
Identifiers: ClinVar variation 914528 (VCV000914528.44), dbSNP rs111380592, ClinGen allele CA4964196.
Genomic context (GRCh38, chr9:2,186,113, plus strand): 5'-AACTCAGCTTGCAGTTTTAACAGATGCCCCTTTGACCATTTAGATCTATGAAGACTCCAT[C>T]GTCTTACAGTCAGTGTTTAAGAGTGCCCGGCAGAAAATTGCCAAAGAGGAAGAGAGTGAG-3'
Protein context (NP_003061.3, residues 1483-1503): LEGSQIYEDS[Ile1493=]VLQSVFKSAR

ClinVar aggregate classification (germline): Benign/Likely benign. Review status: criteria provided, multiple submitters, no conflicts (2 of 4 stars). 4 submissions from 4 submitters: Benign (1); Likely benign (3). Last evaluated 2026-01-01.

Conditions:
Nicolaides-Baraitser syndrome (NCBRS). Also called: SMARCA2-Related Nicolaides-Baraitser Syndrome; Intellectual disability-sparse hair-brachydactyly syndrome. Identifiers: Orphanet 3051, MedGen C1303073, MONDO:0011053, OMIM 601358.

Allele frequency attached by ClinVar (database versions not stated): 1000 Genomes Project 30x 0.00047; gnomAD exomes 0.00066 and 0.00022; ExAC 0.00014; gnomAD 0.00034 and 0.00035; TOPMed 0.00036; ESP Exome Variant Server 0.00038.
gnomAD v4.1: 1,040 of 1,613,838 alleles (0.064%); highest among the groups gnomAD compares: Non-Finnish European, 0.082%; 1 homozygote.

Submissions (4):

Labcorp Genetics (formerly Invitae), Labcorp
Classification: Likely benign. Last evaluated: 2026-01-01. Review status: criteria provided, single submitter. Criteria: Invitae Variant Classification Sherloc (09022015). Collection method: clinical testing. Allele origin: germline.

CeGaT Center for Human Genetics Tuebingen
Classification: Likely benign. Last evaluated: 2024-02-01. Review status: criteria provided, single submitter. Criteria: CeGaT Center For Human Genetics Tuebingen Variant Classification Criteria Version 2. Collection method: clinical testing. Allele origin: germline. Affected: yes. Observed: 3 variant alleles.
Comment: SMARCA2: BP4, BP7

GeneDx
Classification: Likely benign. Last evaluated: 2020-10-20. Review status: criteria provided, single submitter. Criteria: GeneDx Variant Classification Process June 2021. Collection method: clinical testing. Allele origin: germline. Affected: yes.

Illumina Laboratory Services, Illumina
Classification: Benign for Nicolaides-Baraitser syndrome. Last evaluated: 2018-01-13. Review status: criteria provided, single submitter. Criteria: ICSL Variant Classification Criteria 13 December 2019. Collection method: clinical testing. Allele origin: germline.
Comment: This variant was observed in the ICSL laboratory as part of a predisposition screen in an ostensibly healthy population. It had not been previously curated by ICSL or reported in the Human Gene Mutation Database (HGMD: prior to June 1st, 2018), and was therefore a candidate for classification through an automated scoring system. Utilizing variant allele frequency, disease prevalence and penetrance estimates, and inheritance mode, an automated score was calculated to assess if this variant is too frequent to cause the disease. Based on the score and internal cut-off values, a variant classified as benign is not then subjected to further curation. The score for this variant resulted in a classification of benign for this disease.